The following is an entry in ClinVar:

NM_001386140.1(MTTP):c.1477_1478delinsA (p.Ala493fs)

Gene: MTTP (microsomal triglyceride transfer protein; plus strand). Cytogenetic location: 4q23.
Variant type: Indel.
Coding change: c.1477_1478delinsA on transcript NM_001386140.1 (MANE Select); coding-DNA positions 1477 to 1478, GC replaced by A.
Protein change: p.Ala493fs; shifts the reading frame from alanine 493.
Molecular consequence: frameshift variant.
Genome position (GRCh38, 1-based): chr4:99,606,880-99,606,881, GC replaced by A. VCF-style: chr4-99606880-GC-A. GRCh37 (hg19) VCF-style: chr4-100528037-GC-A.
Other names: c.1477_1478delinsA, p.Ala493fs (NM_000253.4); c.1228_1229delinsA, p.Ala410fs (NM_001300785.2); short protein forms A410fs, A493fs.
Identifiers: ClinVar variation 5011034 (VCV005011034.1).
Genomic context (GRCh38, chr4:99,606,880, plus strand): 5'-TATCTGCTGGCTTTGAAGAATGCCCTGCTTCCAGAAGGCATCCCAAGTCTTCTGAAGTAT[GC>A]AGAAGCAGGAGAAGGGCCCATCAGCCACCTGGCTACCACTGCTCTCCAGAGATATGATCT-3'

ClinVar aggregate classification (germline): Pathogenic (1 of 4 stars; one submission).

Conditions:
Abetalipoproteinaemia (ABL). Also called: MTP DEFICIENCY; Abetalipoproteinemia; Abetalipoproteinemia neuropathy; Apolipoprotein B deficiency; Congenital betalipoprotein deficiency syndrome. Identifiers: Orphanet 14, MedGen C0000744, MONDO:0008692, OMIM 200100, HP:0008181.

Submission:

Myriad Genetics, Inc.
Classification: Pathogenic for Abetalipoproteinaemia. Last evaluated: 2024-05-14. Review status: criteria provided, single submitter. Criteria: Myriad Autosomal Dominant, Autosomal Recessive and X-Linked Classification Criteria (2023). Collection method: clinical testing. Allele origin: unknown.
Comment: NM_000253.2(MTTP):c.1477_1478delGCinsA(A493Kfs*24) is expected to be pathogenic in the context of abetalipoproteinemia. This variant is predicted to lead to an abnormal or absent protein product due to the creation of a premature termination codon in MTTP, a gene where loss-of-function variants are known to be pathogenic. Please note: this variant was assessed in the context of healthy population screening.